The following is an entry in ClinVar:

NM_001042492.3(NF1):c.4724G>T (p.Arg1575Met)

Gene: NF1 (neurofibromin 1; plus strand). Cytogenetic location: 17q11.2.
Variant type: single nucleotide variant.
Coding change: c.4724G>T on transcript NM_001042492.3 (MANE Select); coding-DNA position 4724, G replaced by T.
Protein change: p.Arg1575Met; replaces arginine 1575 with methionine.
Molecular consequence: missense variant.
Genome position (GRCh38, 1-based): chr17:31,261,857, G>T. VCF-style: chr17-31261857-G-T. GRCh37 (hg19) VCF-style: chr17-29588875-G-T.
Other names: c.4661G>T, p.Arg1554Met (NM_000267.4); short protein forms R1575M, R1554M.
Identifiers: ClinVar variation 4119039 (VCV004119039.1).

ClinVar aggregate classification (germline): Uncertain significance (1 of 4 stars; one submission).

Conditions:
Cardiovascular phenotype. Identifiers: MedGen CN230736.
Hereditary cancer-predisposing syndrome. Also called: Hereditary neoplastic syndrome; Neoplastic Syndromes, Hereditary; Tumor predisposition; Hereditary Cancer Syndrome. Identifiers: Orphanet 140162, MedGen C0027672, MeSH D009386, MONDO:0015356.

Submission:

Ambry Genetics
Classification: Uncertain significance for Cardiovascular phenotype; Hereditary cancer-predisposing syndrome. Last evaluated: 2025-08-13. Review status: criteria provided, single submitter. Criteria: Ambry Variant Classification Scheme 2023. Collection method: clinical testing. Allele origin: germline.
Comment: The c.4661G>T variant (also known as p.R1554M), located in coding exon 34 of the NF1 gene, results from a G to T substitution at nucleotide position 4661. The amino acid change results in arginine to methionine at codon 1554, an amino acid with similar properties. However, this change occurs in the last base pair of coding exon 34, which makes it likely to have some effect on normal mRNA splicing. This nucleotide position is highly conserved in available vertebrate species. In silico splice site analysis predicts that this alteration will weaken the native splice donor site. RNA studies have demonstrated that this alteration results in a splice defect; the clinical impact of this abnormal splicing is unknown at this time (Ambry internal data). Based on the available evidence, the clinical significance of this variant remains unclear.